The following is an entry in ClinVar:

ClinVar aggregate classification (germline): Uncertain significance. Review status: criteria provided, multiple submitters, no conflicts (2 of 4 stars). 2 submissions from 2 submitters: Uncertain significance (2). Last evaluated 2025-05-25.

Allele frequency attached by ClinVar (database versions not stated): ExAC 0.00004; gnomAD exomes 0.00004; gnomAD 0.00005; TOPMed 0.00009; ESP Exome Variant Server 0.00015.
gnomAD v4.1: 53 of 1,609,322 alleles (0.0033%); highest among the groups gnomAD compares: Middle Eastern, 0.033%; 1 homozygote.

Submissions (2):

Ambry Genetics
Classification: Uncertain significance. Last evaluated: 2025-05-25. Review status: criteria provided, single submitter. Criteria: Ambry Variant Classification Scheme 2023. Collection method: clinical testing. Allele origin: germline.

Labcorp Genetics (formerly Invitae), Labcorp
Classification: Uncertain significance. Last evaluated: 2024-10-30. Review status: criteria provided, single submitter. Criteria: Invitae Variant Classification Sherloc (09022015). Collection method: clinical testing. Allele origin: germline.
Comment: This sequence change replaces arginine, which is basic and polar, with histidine, which is basic and polar, at codon 908 of the ARHGEF1 protein (p.Arg908His). This variant is present in population databases (rs369952369, gnomAD 0.03%). This variant has not been reported in the literature in individuals affected with ARHGEF1-related conditions. ClinVar contains an entry for this variant (Variation ID: 1487603). An algorithm developed to predict the effect of missense changes on protein structure and function (PolyPhen-2) suggests that this variant is likely to be tolerated. In summary, the available evidence is currently insufficient to determine the role of this variant in disease. Therefore, it has been classified as a Variant of Uncertain Significance.

NM_004706.4(ARHGEF1):c.2678G>A (p.Arg893His)

Gene: ARHGEF1 (Rho guanine nucleotide exchange factor 1; plus strand). Cytogenetic location: 19q13.2.
Variant type: single nucleotide variant.
Coding change: c.2678G>A on transcript NM_004706.4 (MANE Select); coding-DNA position 2678, G replaced by A.
Protein change: p.Arg893His; replaces arginine 893 with histidine.
Molecular consequence: missense variant.
Genome position (GRCh38, 1-based): chr19:41,906,725, G>A. VCF-style: chr19-41906725-G-A. GRCh37 (hg19) VCF-style: chr19-42410877-G-A.
Other names: c.2579G>A, p.Arg860His (NM_198977.2); c.2723G>A, p.Arg908His (NM_199002.2); c.2723G>A (NM_199002.1); short protein forms R860H, R908H, R893H.
Identifiers: ClinVar variation 1487603 (VCV001487603.10), dbSNP rs369952369, ClinGen allele CA9466818.